The following is an entry in ClinVar:

ClinVar aggregate classification (germline): Uncertain significance. Review status: criteria provided, multiple submitters, no conflicts (2 of 4 stars). 3 submissions from 3 submitters: Uncertain significance (3). Last evaluated 2025-09-22.

Conditions:
Inborn genetic diseases. Identifiers: MedGen C0950123, MeSH D030342.

Allele frequency attached by ClinVar (database versions not stated): ExAC 0.00002; TOPMed 0.00002; gnomAD 0.00004.
gnomAD v4.1: 33 of 1,613,346 alleles (0.002%); highest among the groups gnomAD compares: Middle Eastern, 0.016%; no homozygotes.

Submissions (3):

Ambry Genetics
Classification: Uncertain significance for Inborn genetic diseases. Last evaluated: 2025-09-22. Review status: criteria provided, single submitter. Criteria: Ambry Variant Classification Scheme 2023. Collection method: clinical testing. Allele origin: germline.

Blueprint Genetics
Classification: Uncertain significance. Last evaluated: 2024-10-22. Review status: criteria provided, single submitter. Criteria: ACMG Guidelines, 2015. Collection method: clinical testing. Allele origin: germline.

Labcorp Genetics (formerly Invitae), Labcorp
Classification: Uncertain significance. Last evaluated: 2021-10-11. Review status: criteria provided, single submitter. Criteria: Invitae Variant Classification Sherloc (09022015). Collection method: clinical testing. Allele origin: germline.
Comment: This sequence change replaces threonine with methionine at codon 162 of the GNPTG protein (p.Thr162Met). The threonine residue is highly conserved and there is a moderate physicochemical difference between threonine and methionine. This variant is present in population databases (rs779179604, ExAC 0.006%). This variant has not been reported in the literature in individuals with GNPTG-related disease. Algorithms developed to predict the effect of missense changes on protein structure and function output the following: SIFT: "Deleterious"; PolyPhen-2: "Possibly Damaging"; Align-GVGD: "Class C15". The methionine amino acid residue is found in multiple mammalian species, suggesting that this missense change does not adversely affect protein function. These predictions have not been confirmed by published functional studies and their clinical significance is uncertain. In summary, the available evidence is currently insufficient to determine the role of this variant in disease. Therefore, it has been classified as a Variant of Uncertain Significance.

NM_032520.5(GNPTG):c.485C>T (p.Thr162Met)

Gene: GNPTG (N-acetylglucosamine-1-phosphate transferase subunit gamma; plus strand). Cytogenetic location: 16p13.3.
Variant type: single nucleotide variant.
Coding change: c.485C>T on transcript NM_032520.5 (MANE Select); coding-DNA position 485, C replaced by T.
Protein change: p.Thr162Met; replaces threonine 162 with methionine.
Molecular consequence: missense variant.
Genome position (GRCh38, 1-based): chr16:1,362,279, C>T. VCF-style: chr16-1362279-C-T. GRCh37 (hg19) VCF-style: chr16-1412280-C-T.
Other names: c.485C>T (NM_032520.4); short protein forms T162M.
Identifiers: ClinVar variation 2044018 (VCV002044018.3), dbSNP rs779179604, ClinGen allele CA7807726.
Genomic context (GRCh38, chr16:1,362,279, plus strand): 5'-GTGGAAAAAGCAACCGGCTGGCCCATGTGTCCGAGCCGAGCACCTGCGTCTACGCGCTGA[C>T]GTTCGAGACCCCCCTCGTCTGCCACCCCCACGCCTTGCTAGGTAGGGGTGCGGGACGCAG-3'
Protein context (NP_115909.1, residues 152-172): SEPSTCVYAL[Thr162Met]FETPLVCHPH